The following is an entry in ClinVar:

ClinVar aggregate classification (germline): Uncertain significance (1 of 4 stars; one submission).

Submission:

GeneDx
Classification: Uncertain significance. Last evaluated: 2024-07-21. Review status: criteria provided, single submitter. Criteria: GeneDx Variant Classification Process June 2021. Collection method: clinical testing. Allele origin: germline. Affected: yes.
Comment: Not observed at significant frequency in large population cohorts (gnomAD); In silico analysis indicates that this missense variant does not alter protein structure/function; Has not been previously published as pathogenic or benign to our knowledge

NM_052867.4(NALCN):c.484C>G (p.Leu162Val)

Gene: NALCN (sodium leak channel, non-selective; minus strand). Cytogenetic location: 13q33.1.
Variant type: single nucleotide variant.
Coding change: c.484C>G on transcript NM_052867.4 (MANE Select); coding-DNA position 484, C replaced by G.
Protein change: p.Leu162Val; replaces leucine 162 with valine.
Molecular consequence: missense variant.
Genome position (GRCh38, 1-based): chr13:101,376,948, G>C on the plus strand (C>G on the coding strand, the complement: NALCN is on the minus strand). VCF-style: chr13-101376948-G-C. GRCh37 (hg19) VCF-style: chr13-102029299-G-C.
Other names: c.484C>G, p.Leu162Val (NM_001350748.2, NM_001350749.2, NM_001350750.2 and 1 more transcripts); short protein forms L162V.
Identifiers: ClinVar variation 3600844 (VCV003600844.1).